The following is an entry in ClinVar:

NM_000059.4(BRCA2):c.406A>T (p.Asn136Tyr)

Gene: BRCA2 (BRCA2 DNA repair associated; plus strand). Cytogenetic location: 13q13.1.
Variant type: single nucleotide variant.
Coding change: c.406A>T on transcript NM_000059.4 (MANE Select); coding-DNA position 406, A replaced by T.
Protein change: p.Asn136Tyr; replaces asparagine 136 with tyrosine.
Molecular consequence: missense variant.
Genome position (GRCh38, 1-based): chr13:32,325,165, A>T. VCF-style: chr13-32325165-A-T. GRCh37 (hg19) VCF-style: chr13-32899302-A-T.
Other names: short protein forms N136Y.
Identifiers: ClinVar variation 1041176 (VCV001041176.9), dbSNP rs2072335322, ClinGen allele CA387756727.

ClinVar aggregate classification (germline): Uncertain significance (1 of 4 stars; one submission).

Conditions:
Hereditary breast ovarian cancer syndrome. Also called: Hereditary breast and ovarian cancer syndrome (HBOC); Breast and ovarian cancer; Hereditary breast and ovarian cancer syndrome; Hereditary breast and ovarian cancer; Hereditary breast and/or ovarian cancer syndrome; BRCA1- and BRCA2-Associated Hereditary Breast and Ovarian Cancer. Identifiers: Orphanet 145, MedGen C0677776, MeSH D061325, MONDO:0003582. Disease mechanism: loss of function.

Submission:

Labcorp Genetics (formerly Invitae), Labcorp
Classification: Uncertain significance for Hereditary breast ovarian cancer syndrome. Last evaluated: 2020-05-12. Review status: criteria provided, single submitter. Criteria: Invitae Variant Classification Sherloc (09022015). Collection method: clinical testing. Allele origin: germline.
Comment: This sequence change replaces asparagine with tyrosine at codon 136 of the BRCA2 protein (p.Asn136Tyr). The asparagine residue is weakly conserved and there is a large physicochemical difference between asparagine and tyrosine. In summary, the available evidence is currently insufficient to determine the role of this variant in disease. Therefore, it has been classified as a Variant of Uncertain Significance. Algorithms developed to predict the effect of missense changes on protein structure and function are either unavailable or do not agree on the potential impact of this missense change (SIFT: "Tolerated"; PolyPhen-2: "Probably Damaging"; Align-GVGD: "Class C0"). This variant has not been reported in the literature in individuals with BRCA2-related conditions. This variant is not present in population databases (ExAC no frequency).